The following is an entry in ClinVar:

NM_005559.4(LAMA1):c.3790C>T (p.Arg1264Trp)

Gene: LAMA1 (laminin subunit alpha 1; minus strand). Cytogenetic location: 18p11.31.
Variant type: single nucleotide variant.
Coding change: c.3790C>T on transcript NM_005559.4 (MANE Select); coding-DNA position 3790, C replaced by T.
Protein change: p.Arg1264Trp; replaces arginine 1264 with tryptophan.
Molecular consequence: missense variant.
Genome position (GRCh38, 1-based): chr18:7,010,283, G>A on the plus strand (C>T on the coding strand, the complement: LAMA1 is on the minus strand). VCF-style: chr18-7010283-G-A. GRCh37 (hg19) VCF-style: chr18-7010282-G-A.
Other names: short protein forms R1264W.
Identifiers: ClinVar variation 2581873 (VCV002581873.3), dbSNP rs945551510, ClinGen allele CA295772168.
Genomic context (GRCh38, chr18:7,010,283, plus strand): 5'-CCTGTCTCACTCCATTCTCTGGGGCTGGTGCATCCATGTAAATGACTTGCTTTCTGATCC[G>A]ACCACCTTTGATGAGAACTTGAGGCTCAAAATTGGAGGTGCCGACGCCATCCAAAGAATA-3'
Protein context (NP_005550.2, residues 1254-1274): FEPQVLIKGG[Arg1264Trp]IRKQVIYMDA

ClinVar aggregate classification (germline): Uncertain significance (1 of 4 stars; one submission).

Allele frequency attached by ClinVar (database versions not stated): gnomAD exomes 0.00001.
gnomAD v4.1: 17 of 1,613,848 alleles (0.0011%); highest among the groups gnomAD compares: Non-Finnish European, 0.0014%; no homozygotes.

Submission:

GeneDx
Classification: Uncertain significance. Last evaluated: 2026-07-25. Review status: criteria provided, single submitter. Criteria: GeneDx Variant Classification Process June 2021. Collection method: clinical testing. Allele origin: germline.
Comment: Not observed at significant frequency in large population cohorts (gnomAD); In silico analysis supports that this missense variant has a deleterious effect on protein structure/function; Has not been previously published as pathogenic or benign to our knowledge